The following is an entry in ClinVar:

NM_022095.4(ZNF335):c.1927C>T (p.His643Tyr)

Gene: ZNF335 (zinc finger protein 335; minus strand). Cytogenetic location: 20q13.12.
Variant type: single nucleotide variant.
Coding change: c.1927C>T on transcript NM_022095.4 (MANE Select); coding-DNA position 1927, C replaced by T.
Protein change: p.His643Tyr; replaces histidine 643 with tyrosine.
Molecular consequence: missense variant.
Genome position (GRCh38, 1-based): chr20:45,960,301, G>A on the plus strand (C>T on the coding strand, the complement: ZNF335 is on the minus strand). VCF-style: chr20-45960301-G-A. GRCh37 (hg19) VCF-style: chr20-44588940-G-A.
Other names: c.1927C>T (NM_022095.3); short protein forms H643Y.
Identifiers: ClinVar variation 2187761 (VCV002187761.4), dbSNP rs757747644, ClinGen allele CA9885545.

ClinVar aggregate classification (germline): Uncertain significance. Review status: criteria provided, multiple submitters, no conflicts (2 of 4 stars). 2 submissions from 2 submitters: Uncertain significance (2). Last evaluated 2024-06-10.

Conditions:
Inborn genetic diseases. Identifiers: MedGen C0950123, MeSH D030342.

Allele frequency attached by ClinVar (database versions not stated): gnomAD exomes below 0.00001; ExAC 0.00001; gnomAD 0.00001.
gnomAD v4.1: 7 of 1,614,068 alleles (0.00043%); highest among the groups gnomAD compares: Admixed American, 0.0033%; no homozygotes.

Submissions (2):

Ambry Genetics
Classification: Uncertain significance for Inborn genetic diseases. Last evaluated: 2024-06-10. Review status: criteria provided, single submitter. Criteria: Ambry Variant Classification Scheme 2023. Collection method: clinical testing. Allele origin: germline.

Labcorp Genetics (formerly Invitae), Labcorp
Classification: Uncertain significance. Last evaluated: 2022-07-20. Review status: criteria provided, single submitter. Criteria: Invitae Variant Classification Sherloc (09022015). Collection method: clinical testing. Allele origin: germline.
Comment: This variant has not been reported in the literature in individuals affected with ZNF335-related conditions. In summary, the available evidence is currently insufficient to determine the role of this variant in disease. Therefore, it has been classified as a Variant of Uncertain Significance. Algorithms developed to predict the effect of missense changes on protein structure and function (SIFT, PolyPhen-2, Align-GVGD) all suggest that this variant is likely to be disruptive. This variant is present in population databases (rs757747644, gnomAD 0.002%). This sequence change replaces histidine, which is basic and polar, with tyrosine, which is neutral and polar, at codon 643 of the ZNF335 protein (p.His643Tyr).